The following is an entry in ClinVar:

ClinVar aggregate classification (germline): Uncertain significance. Review status: criteria provided, multiple submitters, no conflicts (2 of 4 stars). 6 submissions from 6 submitters: Uncertain significance (6). Last evaluated 2026-02-17.

Conditions:
DMP1-related disorder. Also called: DMP1-related condition.
Hypophosphatemic rickets, autosomal recessive, 1 (ARHR1). Also called: HYPOPHOSPHATEMIA, AUTOSOMAL RECESSIVE. Identifiers: Orphanet 289176, MedGen C4551495, MONDO:0009430, OMIM 241520. Disease mechanism: loss of function.
Inborn genetic diseases. Identifiers: MedGen C0950123, MeSH D030342.

Allele frequency attached by ClinVar (database versions not stated): gnomAD 0.00014 and 0.00013; gnomAD exomes 0.00027; ExAC 0.00039; ESP Exome Variant Server 0.00008; TOPMed 0.00012.
gnomAD v4.1: 314 of 1,614,072 alleles (0.019%); highest among the groups gnomAD compares: Non-Finnish European, 0.022%; no homozygotes.

Submissions (6):

PreventionGenetics, part of Exact Sciences
Classification: Uncertain significance for DMP1-related condition. Last evaluated: 2026-02-17. Review status: criteria provided, single submitter. Criteria: ACMG Guidelines, 2015. Collection method: clinical testing. Allele origin: germline.
Comment: The DMP1 c.428C>T variant is predicted to result in the amino acid substitution p.Thr143Ile. This variant has been reported heterozygous in an individual with borderline craniosynostosis (Table S4, Topa et al. 2023. PubMed ID: 38318288). This variant is reported in 0.044% of alleles in individuals of European (Non-Finnish) descent in gnomAD. At this time, the clinical significance of this variant is uncertain due to the absence of conclusive functional and genetic evidence.

Ambry Genetics
Classification: Uncertain significance for Inborn genetic diseases. Last evaluated: 2025-01-22. Review status: criteria provided, single submitter. Criteria: Ambry Variant Classification Scheme 2023. Collection method: clinical testing. Allele origin: germline.

Labcorp Genetics (formerly Invitae), Labcorp
Classification: Uncertain significance. Last evaluated: 2024-10-23. Review status: criteria provided, single submitter. Criteria: Invitae Variant Classification Sherloc (09022015). Collection method: clinical testing. Allele origin: germline.
Comment: This sequence change replaces threonine, which is neutral and polar, with isoleucine, which is neutral and non-polar, at codon 143 of the DMP1 protein (p.Thr143Ile). This variant is present in population databases (rs370153862, gnomAD 0.04%). This variant has not been reported in the literature in individuals affected with DMP1-related conditions. ClinVar contains an entry for this variant (Variation ID: 349973). Invitae Evidence Modeling of protein sequence and biophysical properties (such as structural, functional, and spatial information, amino acid conservation, physicochemical variation, residue mobility, and thermodynamic stability) indicates that this missense variant is not expected to disrupt DMP1 protein function with a negative predictive value of 80%. In summary, the available evidence is currently insufficient to determine the role of this variant in disease. Therefore, it has been classified as a Variant of Uncertain Significance.

Women's Health and Genetics/Laboratory Corporation of America, LabCorp
Classification: Uncertain significance. Last evaluated: 2024-06-20. Review status: criteria provided, single submitter. Criteria: LabCorp Variant Classification Summary - May 2015. Collection method: clinical testing. Allele origin: germline.
Comment: Variant summary: DMP1 c.428C>T (p.Thr143Ile) results in a non-conservative amino acid change in the encoded protein sequence. Three of five in-silico tools predict a benign effect of the variant on protein function. The variant allele was found at a frequency of 0.00027 in 251162 control chromosomes. This frequency is not significantly higher than estimated for a pathogenic variant in DMP1 causing Hypophosphatemic Rickets, Autosomal Recessive, 1, allowing no conclusion about variant significance. To our knowledge, no occurrence of c.428C>T in individuals affected with Hypophosphatemic Rickets, Autosomal Recessive, 1 and no experimental evidence demonstrating its impact on protein function have been reported. ClinVar contains an entry for this variant (Variation ID: 349973). Based on the evidence outlined above, the variant was classified as uncertain significance.

Fulgent Genetics
Classification: Uncertain significance for Hypophosphatemic rickets, autosomal recessive, 1. Last evaluated: 2022-04-21. Review status: criteria provided, single submitter. Criteria: ACMG Guidelines, 2015. Collection method: clinical testing. Allele origin: unknown.

Illumina Laboratory Services, Illumina
Classification: Uncertain significance for Hypophosphatemic rickets, autosomal recessive, 1. Last evaluated: 2018-01-13. Review status: criteria provided, single submitter. Criteria: ICSL Variant Classification Criteria 13 December 2019. Collection method: clinical testing. Allele origin: germline.

NM_004407.4(DMP1):c.428C>T (p.Thr143Ile)

Genes: DMP1 (dentin matrix acidic phosphoprotein 1; plus strand), DMP1-AS1 (DMP1 and DSPP antisense RNA 1; minus strand). Cytogenetic location: 4q22.1.
Variant type: single nucleotide variant.
Coding change: c.428C>T on transcript NM_004407.4 (MANE Select); coding-DNA position 428, C replaced by T.
Protein change: p.Thr143Ile; replaces threonine 143 with isoleucine.
Molecular consequence: missense variant.
Genome position (GRCh38, 1-based): chr4:87,662,206, C>T. VCF-style: chr4-87662206-C-T. GRCh37 (hg19) VCF-style: chr4-88583358-C-T.
Other names: c.380C>T, p.Thr127Ile (NM_001079911.3); short protein forms T143I, T127I.
Identifiers: ClinVar variation 349973 (VCV000349973.12), dbSNP rs370153862, ClinGen allele CA3002032.